The following is an entry in ClinVar:

NM_001363711.2(DUOX2):c.1102A>G (p.Arg368Gly)

Gene: DUOX2 (dual oxidase 2; minus strand). Cytogenetic location: 15q21.1.
Variant type: single nucleotide variant.
Coding change: c.1102A>G on transcript NM_001363711.2 (MANE Select); coding-DNA position 1102, A replaced by G.
Protein change: p.Arg368Gly; replaces arginine 368 with glycine.
Molecular consequence: missense variant.
Genome position (GRCh38, 1-based): chr15:45,109,919, T>C on the plus strand (A>G on the coding strand, the complement: DUOX2 is on the minus strand). VCF-style: chr15-45109919-T-C. GRCh37 (hg19) VCF-style: chr15-45402117-T-C.
Other names: c.1102A>G, p.Arg368Gly (NM_014080.5); short protein forms R368G.
Identifiers: ClinVar variation 3907554 (VCV003907554.1).

ClinVar aggregate classification (germline): Uncertain significance (1 of 4 stars; one submission).

gnomAD v4.1: 2 of 1,614,038 alleles (0.00012%); highest among the groups gnomAD compares: East Asian, 0.0022%; no homozygotes.

Submission:

Women's Health and Genetics/Laboratory Corporation of America, LabCorp
Classification: Uncertain significance. Last evaluated: 2025-06-24. Review status: criteria provided, single submitter. Criteria: LabCorp Variant Classification Summary - May 2015. Collection method: clinical testing. Allele origin: germline.
Comment: Variant summary: DUOX2 c.1102A>G (p.Arg368Gly) results in a non-conservative amino acid change in the encoded protein sequence. Algorithms developed to predict the effect of missense changes on protein structure and function are either unavailable or do not agree on the potential impact of this missense change. The variant was absent in 251490 control chromosomes. The available data on variant occurrences in the general population are insufficient to allow any conclusion about variant significance. c.1102A>G has been observed in at least one individual affected with Congenital Hypothyroidism (Wang_2021). The report does not provide unequivocal conclusions about association of the variant with Thyroid Dyshormonogenesis 6. To our knowledge, no experimental evidence demonstrating an impact on protein function has been reported. The following publication have been ascertained in the context of this evaluation (PMID: 33631011). No submitters have cited clinical-significance assessments for this variant to ClinVar. Based on the evidence outlined above, the variant was classified as uncertain significance.

Literature cited by the submitters: PubMed 33631011.